The following is an entry in ClinVar:

NM_004714.3(DYRK1B):c.165C>T (p.Thr55=)

Gene: DYRK1B (dual specificity tyrosine phosphorylation regulated kinase 1B; minus strand). Cytogenetic location: 19q13.2.
Variant type: single nucleotide variant.
Coding change: c.165C>T on transcript NM_004714.3 (MANE Select); coding-DNA position 165, C replaced by T.
Protein change: p.Thr55=; no amino-acid change (threonine 55 retained).
Molecular consequence: synonymous variant.
Genome position (GRCh38, 1-based): chr19:39,830,682, G>A on the plus strand (C>T on the coding strand, the complement: DYRK1B is on the minus strand). VCF-style: chr19-39830682-G-A. GRCh37 (hg19) VCF-style: chr19-40321322-G-A.
Other names: c.165C>T, p.Thr55= (NM_006483.3, NM_006484.3).
Identifiers: ClinVar variation 3044417 (VCV003044417.3), dbSNP rs149054894, ClinGen allele CA9434428.

ClinVar aggregate classification (germline): Likely benign. Review status: criteria provided, single submitter (1 of 4 stars). 2 submissions from 2 submitters: Likely benign (1). 1 of the submissions does not count toward it. Last evaluated 2024-07-02.

Conditions:
DYRK1B-related disorder. Also called: DYRK1B-related condition.

Allele frequency attached by ClinVar (database versions not stated): TOPMed 0.00008; gnomAD 0.00010; gnomAD exomes 0.00014; ESP Exome Variant Server 0.00015; ExAC 0.00017.
gnomAD v4.1: 227 of 1,614,000 alleles (0.014%); highest among the groups gnomAD compares: Non-Finnish European, 0.017%; 1 homozygote.

Submissions (2):

Blueprint Genetics
Classification: Likely benign. Last evaluated: 2024-07-02. Review status: criteria provided, single submitter. Criteria: ACMG Guidelines, 2015. Collection method: clinical testing. Allele origin: germline.

PreventionGenetics, part of Exact Sciences
Classification: Likely benign for DYRK1B-related condition. Last evaluated: 2021-08-19. Review status: no assertion criteria provided. Collection method: clinical testing. Allele origin: germline. Not counted in ClinVar's aggregate classification.
Comment: This variant is classified as likely benign based on ACMG/AMP sequence variant interpretation guidelines (Richards et al. 2015 PMID: 25741868, with internal and published modifications).